The following is an entry in ClinVar:

ClinVar aggregate classification (germline): Uncertain significance (1 of 4 stars; one submission).

gnomAD v4.1: 13 of 1,614,196 alleles (0.00081%); highest among the groups gnomAD compares: Admixed American, 0.02%; no homozygotes.

Submission:

Labcorp Genetics (formerly Invitae), Labcorp
Classification: Uncertain significance. Last evaluated: 2024-10-03. Review status: criteria provided, single submitter. Criteria: Invitae Variant Classification Sherloc (09022015). Collection method: clinical testing. Allele origin: germline.
Comment: This sequence change replaces isoleucine, which is neutral and non-polar, with valine, which is neutral and non-polar, at codon 119 of the ZNF143 protein (p.Ile119Val). This variant is present in population databases (rs202077283, gnomAD 0.01%). This variant has not been reported in the literature in individuals affected with ZNF143-related conditions. An algorithm developed to predict the effect of missense changes on protein structure and function (PolyPhen-2) suggests that this variant is likely to be disruptive. In summary, the available evidence is currently insufficient to determine the role of this variant in disease. Therefore, it has been classified as a Variant of Uncertain Significance.

NM_003442.6(ZNF143):c.355A>G (p.Ile119Val)

Gene: ZNF143 (zinc finger protein 143; plus strand). Cytogenetic location: 11p15.4.
Variant type: single nucleotide variant.
Coding change: c.355A>G on transcript NM_003442.6 (MANE Select); coding-DNA position 355, A replaced by G.
Protein change: p.Ile119Val; replaces isoleucine 119 with valine.
Molecular consequence: missense variant.
Genome position (GRCh38, 1-based): chr11:9,474,615, A>G. VCF-style: chr11-9474615-A-G. GRCh37 (hg19) VCF-style: chr11-9496162-A-G.
Other names: c.352A>G, p.Ile118Val (NM_001282656.2); c.262A>G, p.Ile88Val (NM_001282657.2); short protein forms I118V, I119V, I88V.
Identifiers: ClinVar variation 3612460 (VCV003612460.2).